The following is an entry in ClinVar:

ClinVar aggregate classification (germline): Uncertain significance (1 of 4 stars; one submission).

Conditions:
Focal segmental glomerulosclerosis 5 (FSGS5). Identifiers: Orphanet 656, MedGen C2750475, MONDO:0013191, OMIM 613237.
Charcot-Marie-Tooth disease dominant intermediate E. Also called: CHARCOT-MARIE-TOOTH NEUROPATHY WITH FOCAL SEGMENTAL GLOMERULONEPHRITIS. Identifiers: Orphanet 93114, MedGen C4302667, MONDO:0013758, OMIM 614455.

Submission:

Labcorp Genetics (formerly Invitae), Labcorp
Classification: Uncertain significance for Charcot-Marie-Tooth disease dominant intermediate E; Focal segmental glomerulosclerosis 5. Last evaluated: 2023-12-22. Review status: criteria provided, single submitter. Criteria: Invitae Variant Classification Sherloc (09022015). Collection method: clinical testing. Allele origin: germline.
Comment: This sequence change replaces proline, which is neutral and non-polar, with threonine, which is neutral and polar, at codon 627 of the INF2 protein (p.Pro627Thr). This variant is not present in population databases (gnomAD no frequency). This variant has not been reported in the literature in individuals affected with INF2-related conditions. Advanced modeling of protein sequence and biophysical properties (such as structural, functional, and spatial information, amino acid conservation, physicochemical variation, residue mobility, and thermodynamic stability) performed at Invitae indicates that this missense variant is not expected to disrupt INF2 protein function with a negative predictive value of 95%. In summary, the available evidence is currently insufficient to determine the role of this variant in disease. Therefore, it has been classified as a Variant of Uncertain Significance.

NM_022489.4(INF2):c.1879C>A (p.Pro627Thr)

Gene: INF2 (inverted formin 2; plus strand). Cytogenetic location: 14q32.33.
Variant type: single nucleotide variant.
Coding change: c.1879C>A on transcript NM_022489.4 (MANE Select); coding-DNA position 1879, C replaced by A.
Protein change: p.Pro627Thr; replaces proline 627 with threonine.
Molecular consequence: missense variant.
Genome position (GRCh38, 1-based): chr14:104,708,579, C>A. VCF-style: chr14-104708579-C-A. GRCh37 (hg19) VCF-style: chr14-105174916-C-A.
Other names: c.1879C>A, p.Pro627Thr (NM_001031714.4, NM_001426862.1, NM_001426863.1 and 2 more transcripts); short protein forms P627T.
Identifiers: ClinVar variation 2948951 (VCV002948951.3), dbSNP rs2541925835, ClinGen allele CA391218903.